The following is an entry in ClinVar:

NM_000059.4(BRCA2):c.3273_3276del (p.Leu1091fs)

Gene: BRCA2 (BRCA2 DNA repair associated; plus strand). Cytogenetic location: 13q13.1.
Variant type: Deletion.
Coding change: c.3273_3276del on transcript NM_000059.4 (MANE Select); coding-DNA positions 3273 to 3276, 4 bases deleted (ATTT; older notation c.3273_3276delATTT).
Protein change: p.Leu1091fs; shifts the reading frame from leucine 1091.
Molecular consequence: frameshift variant.
Genome position (GRCh38, 1-based): chr13:32,337,628-32,337,631, ATTT deleted; deleting any 4 consecutive bases within chr13:32,337,626-32,337,631 gives the same sequence; the c. name uses the placement nearest the transcript's 3' end. VCF-style (leftmost placement, unchanged base first): chr13-32337625-GTTAT-G. GRCh37 (hg19) VCF-style: chr13-32911762-GTTAT-G.
Other names: 3501del4; c.3273_3276delATTT (NM_000059.3); short protein forms L1091fs.
Identifiers: ClinVar variation 51442 (VCV000051442.10), dbSNP rs80359382, ClinGen allele CA017689.
Genomic context (GRCh38, chr13:32,337,625, plus strand): 5'-ACATTTACAGAGTAGTGTAGTTGTTTCTGATTGTAAAAATAGTCATATAACCCCTCAGAT[GTTAT>G]TTTCCAAGCAGGATTTTAATTCAAACCATAATTTAACACCTAGCCAAAAGGCAGAAATTA-3'

ClinVar aggregate classification (germline): Pathogenic. Review status: reviewed by expert panel (3 of 4 stars). 7 submissions from 7 submitters: Pathogenic (1). 6 of the submissions do not count toward it. Last evaluated 2016-09-08.

Conditions:
Hereditary breast ovarian cancer syndrome. Also called: Hereditary breast and ovarian cancer syndrome; Hereditary breast and ovarian cancer; Hereditary breast and ovarian cancer syndrome (HBOC); Breast and ovarian cancer; Hereditary breast and/or ovarian cancer syndrome; BRCA1- and BRCA2-Associated Hereditary Breast and Ovarian Cancer. Identifiers: Orphanet 145, MedGen C0677776, MeSH D061325, MONDO:0003582. Disease mechanism: loss of function.
Hereditary cancer-predisposing syndrome. Also called: Neoplastic Syndromes, Hereditary; Tumor predisposition; Hereditary Cancer Syndrome; Hereditary neoplastic syndrome. Identifiers: Orphanet 140162, MedGen C0027672, MeSH D009386, MONDO:0015356.
Breast-ovarian cancer, familial, susceptibility to, 2 (BROVCA2). Also called: BRCA2 Hereditary Breast and Ovarian Cancer. Identifiers: Orphanet 145, MedGen C2675520, MONDO:0012933, OMIM 612555. Disease mechanism: loss of function.
Familial cancer of breast. Also called: BREAST CANCER, FAMILIAL; Hereditary breast cancer; hereditary breast carcinoma. Identifiers: Orphanet 227535, MedGen C0346153, MONDO:0016419, OMIM 114480. Disease mechanism: loss of function.

Submissions (7):

Evidence-based Network for the Interpretation of Germline Mutant Alleles (ENIGMA)
Classification: Pathogenic for Breast-ovarian cancer, familial, susceptibility to, 2. Last evaluated: 2016-09-08. Review status: reviewed by expert panel. Criteria: ENIGMA BRCA1/2 Classification Criteria (2015). Collection method: curation. Allele origin: germline.
Comment: Variant allele predicted to encode a truncated non-functional protein.

Labcorp Genetics (formerly Invitae), Labcorp
Classification: Pathogenic for Hereditary breast ovarian cancer syndrome. Last evaluated: 2025-11-26. Review status: criteria provided, single submitter. Criteria: Invitae Variant Classification Sherloc (09022015). Collection method: clinical testing. Allele origin: germline. Not counted in ClinVar's aggregate classification.
Comment: This sequence change creates a premature translational stop signal (p.Leu1091Phefs*12) in the BRCA2 gene. It is expected to result in an absent or disrupted protein product. Loss-of-function variants in BRCA2 are known to be pathogenic (PMID: 20104584). This variant is not present in population databases (gnomAD no frequency). This variant has not been reported in the literature in individuals affected with BRCA2-related conditions. ClinVar contains an entry for this variant (Variation ID: 51442). For these reasons, this variant has been classified as Pathogenic.

Ambry Genetics
Classification: Pathogenic for Hereditary cancer-predisposing syndrome. Last evaluated: 2025-08-29. Review status: criteria provided, single submitter. Criteria: Ambry Variant Classification Scheme 2023. Collection method: clinical testing. Allele origin: germline. Not counted in ClinVar's aggregate classification.
Comment: The c.3273_3276delATTT pathogenic mutation, located in coding exon 10 of the BRCA2 gene, results from a deletion of 4 nucleotides at nucleotide positions 3273 to 3276, causing a translational frameshift with a predicted alternate stop codon (p.L1091Ffs*12). This variant is considered to be rare based on population cohorts in the Genome Aggregation Database (gnomAD). This alteration is expected to result in loss of function by premature protein truncation or nonsense-mediated mRNA decay. As such, this alteration is interpreted as a disease-causing mutation.

Baylor Genetics
Classification: Likely pathogenic for Familial cancer of breast. Last evaluated: 2022-02-23. Review status: criteria provided, single submitter. Criteria: ACMG Guidelines, 2015. Collection method: clinical testing. Allele origin: unknown. Not counted in ClinVar's aggregate classification.

GeneDx
Classification: Pathogenic. Last evaluated: 2016-05-12. Review status: criteria provided, single submitter. Criteria: GeneDx Variant Classification (06012015). Collection method: clinical testing. Allele origin: germline. Affected: yes. Not counted in ClinVar's aggregate classification.
Comment: This deletion of 4 nucleotides in BRCA2 is denoted c.3273_3276delATTT at the cDNA level and p.Leu1091PhefsX12 (L1091FfsX12) at the protein level. Using alternate nomenclature, this variant would be defined as BRCA2 3501del4. The normal sequence, with the bases that are deleted in braces, is TGTT[ATTT]TCCA. The deletion causes a frameshift which changes a Leucine to a Phenylalanine at codon 1091 and creates a premature stop codon at position 12 of the new reading frame. Although this variant has not, to our knowledge, been reported in the literature, it is predicted to cause loss of normal protein function through either protein truncation or nonsense-mediated mRNA decay. We consider this variant to be pathogenic.

Women's Health and Genetics/Laboratory Corporation of America, LabCorp
Classification: Likely pathogenic for Hereditary breast ovarian cancer syndrome. Last evaluated: 2016-01-12. Review status: criteria provided, single submitter. Criteria: LabCorp Variant Classification Summary - May 2015. Collection method: clinical testing. Allele origin: germline. Not counted in ClinVar's aggregate classification.

Breast Cancer Information Core (BIC) (BRCA2)
Classification: Pathogenic for Breast-ovarian cancer, familial 2. Last evaluated: 2002-05-29. Review status: no assertion criteria provided. Collection method: clinical testing. Allele origin: germline. Affected: yes. Observed: 1 variant allele. Not counted in ClinVar's aggregate classification.

Literature cited by the submitters: PubMed 20104584 (cited by Labcorp Genetics (formerly Invitae), Labcorp).